The following is an entry in ClinVar:

ClinVar aggregate classification (germline): Pathogenic (1 of 4 stars; one submission).

Conditions:
Early-infantile DEE. Also called: Early infantile epileptic encephalopathy; Ohtahara syndrome; Early infantile epileptic encephalopathy with suppression bursts. Identifiers: Orphanet 1934, MedGen C0393706, MONDO:0800491.

Submission:

Labcorp Genetics (formerly Invitae), Labcorp
Classification: Pathogenic for Early-infantile DEE. Last evaluated: 2019-07-14. Review status: criteria provided, single submitter. Criteria: Invitae Variant Classification Sherloc (09022015). Collection method: clinical testing. Allele origin: germline.
Comment: For these reasons, this variant has been classified as Pathogenic. Loss-of-function variants in SCN1A are known to be pathogenic (PMID: 17347258, 18930999). This variant has not been reported in the literature in individuals with SCN1A-related conditions. This variant is not present in population databases (ExAC no frequency). This sequence change creates a premature translational stop signal (p.Ala239Ilefs*18) in the SCN1A gene. It is expected to result in an absent or disrupted protein product.

Literature cited by the submitters: PubMed 17347258; PubMed 18930999.

NM_001165963.4(SCN1A):c.715_823del (p.Ala239fs)

Gene: SCN1A (sodium voltage-gated channel alpha subunit 1; minus strand). Cytogenetic location: 2q24.3.
Variant type: Deletion.
Coding change: c.715_823del on transcript NM_001165963.4 (MANE Select); coding-DNA positions 715 to 823, 109 bases deleted.
Protein change: p.Ala239fs; shifts the reading frame from alanine 239.
Molecular consequence: frameshift variant. On other transcripts: 5 prime UTR variant (1), non-coding transcript variant (1).
Genome position (GRCh38, 1-based): chr2:166,051,860-166,051,968, 109 bases deleted. GRCh37 (hg19): chr2:166,908,373-166,908,481.
Other names: c.715_823del, p.Ala239fs (NM_001165964.3, NM_001202435.3, NM_001353948.2 and 10 more transcripts); c.-1711_-1603del (NM_001353961.2); short protein forms A239fs.
Identifiers: ClinVar variation 947190 (VCV000947190.8), dbSNP rs1698596974, ClinGen allele CA1139655683.